The following is an entry in ClinVar:

NM_016277.5(RAB23):c.14A>T (p.Asp5Val)

Gene: RAB23 (RAB23, member RAS oncogene family; minus strand). Cytogenetic location: 6p11.2.
Variant type: single nucleotide variant.
Coding change: c.14A>T on transcript NM_016277.5 (MANE Select); coding-DNA position 14, A replaced by T.
Protein change: p.Asp5Val; replaces aspartic acid 5 with valine.
Molecular consequence: missense variant. On other transcripts: non-coding transcript variant (1).
Genome position (GRCh38, 1-based): chr6:57,210,367, T>A on the plus strand (A>T on the coding strand, the complement: RAB23 is on the minus strand). VCF-style: chr6-57210367-T-A. GRCh37 (hg19) VCF-style: chr6-57075165-T-A.
Other names: c.14A>T, p.Asp5Val (NM_001278666.2, NM_001278667.2, NM_001278668.2 and 1 more transcripts); short protein forms D5V.
Identifiers: ClinVar variation 1937236 (VCV001937236.2), dbSNP rs1327720346, ClinGen allele CA364627135.

ClinVar aggregate classification (germline): Uncertain significance (1 of 4 stars; one submission).

Conditions:
Carpenter syndrome. Identifiers: Orphanet 65759, MedGen C1275078, MONDO:0019012.

Allele frequency attached by ClinVar (database versions not stated): gnomAD exomes 0.00001; TOPMed 0.00001.
gnomAD v4.1: 16 of 1,614,104 alleles (0.00099%); highest among the groups gnomAD compares: Non-Finnish European, 0.0014%; no homozygotes.

Submission:

Labcorp Genetics (formerly Invitae), Labcorp
Classification: Uncertain significance for Carpenter syndrome. Last evaluated: 2022-05-29. Review status: criteria provided, single submitter. Criteria: Invitae Variant Classification Sherloc (09022015). Collection method: clinical testing. Allele origin: germline.
Comment: This sequence change replaces aspartic acid, which is acidic and polar, with valine, which is neutral and non-polar, at codon 5 of the RAB23 protein (p.Asp5Val). This variant is present in population databases (no rsID available, gnomAD 0.0009%). This variant has not been reported in the literature in individuals affected with RAB23-related conditions. Algorithms developed to predict the effect of missense changes on protein structure and function (SIFT, PolyPhen-2, Align-GVGD) all suggest that this variant is likely to be disruptive. In summary, the available evidence is currently insufficient to determine the role of this variant in disease. Therefore, it has been classified as a Variant of Uncertain Significance.